The following is an entry in ClinVar:

ClinVar aggregate classification (germline): Uncertain significance (1 of 4 stars; one submission).

Conditions:
Brachyolmia-amelogenesis imperfecta syndrome. Also called: Tooth agenesis, selective, 6; Dental anomalies and short stature; PLATYSPONDYLY WITH AMELOGENESIS IMPERFECTA. Identifiers: Orphanet 2899, MedGen C1832594, MONDO:0011018, OMIM 601216. Disease mechanism: loss of function.

Submission:

Labcorp Genetics (formerly Invitae), Labcorp
Classification: Uncertain significance for Brachyolmia-amelogenesis imperfecta syndrome. Last evaluated: 2023-03-22. Review status: criteria provided, single submitter. Criteria: Invitae Variant Classification Sherloc (09022015). Collection method: clinical testing. Allele origin: unknown.
Comment: This variant has not been reported in the literature in individuals affected with LTBP3-related conditions. In summary, the available evidence is currently insufficient to determine the role of this variant in disease. Therefore, it has been classified as a Variant of Uncertain Significance. Experimental studies and prediction algorithms are not available or were not evaluated, and the functional significance of this variant is currently unknown. This variant results in the deletion of c.1063_1527del of the LTBP3 gene. This variant would be expected to be in-frame, preserving the integrity of the reading frame.

NC_000011.9:g.(?_65319447)_(65320635_?)del

Gene: LTBP3 (latent transforming growth factor beta binding protein 3; minus strand). Cytogenetic location: 11q13.1.
Variant type: Deletion.
Identifiers: ClinVar variation 3244616 (VCV003244616.1).